The following is an entry in ClinVar:

NM_006947.4(SRP72):c.289G>A (p.Ala97Thr)

Gene: SRP72 (signal recognition particle 72; plus strand). Cytogenetic location: 4q12.
Variant type: single nucleotide variant.
Coding change: c.289G>A on transcript NM_006947.4 (MANE Select); coding-DNA position 289, G replaced by A.
Protein change: p.Ala97Thr; replaces alanine 97 with threonine.
Molecular consequence: missense variant. On other transcripts: non-coding transcript variant (1).
Genome position (GRCh38, 1-based): chr4:56,471,778, G>A. VCF-style: chr4-56471778-G-A. GRCh37 (hg19) VCF-style: chr4-57337944-G-A.
Other names: c.289G>A, p.Ala97Thr (NM_001267722.2); short protein forms A97T.
Identifiers: ClinVar variation 1313930 (VCV001313930.4), dbSNP rs1719989176, ClinGen allele CA356996141.
Genomic context (GRCh38, chr4:56,471,778, plus strand): 5'-AGTAACTCTCTCTCCTTTGAAAAGGCATATTGCGAGTACAGGCTGAACAGAATTGAGAAT[G>A]CCTTGAAGACAATAGAAAGTGCCAACCAGCAGACAGACAAACTGAAGGAGCTTTATGGAC-3'
Protein context (NP_008878.3, residues 87-107): CEYRLNRIEN[Ala97Thr]LKTIESANQQ

ClinVar aggregate classification (germline): Uncertain significance. Review status: criteria provided, multiple submitters, no conflicts (2 of 4 stars). 3 submissions from 3 submitters: Uncertain significance (3). Last evaluated 2025-12-10.

Allele frequency attached by ClinVar (database versions not stated): TOPMed below 0.00001; gnomAD exomes 0.00001.

Submissions (3):

Labcorp Genetics (formerly Invitae), Labcorp
Classification: Uncertain significance. Last evaluated: 2025-12-10. Review status: criteria provided, single submitter. Criteria: Invitae Variant Classification Sherloc (09022015). Collection method: clinical testing. Allele origin: germline.
Comment: This sequence change replaces alanine, which is neutral and non-polar, with threonine, which is neutral and polar, at codon 97 of the SRP72 protein (p.Ala97Thr). This variant is not present in population databases (gnomAD no frequency). This variant has not been reported in the literature in individuals affected with SRP72-related conditions. ClinVar contains an entry for this variant (Variation ID: 1313930). Invitae Evidence Modeling of protein sequence and biophysical properties (such as structural, functional, and spatial information, amino acid conservation, physicochemical variation, residue mobility, and thermodynamic stability) indicates that this missense variant is expected to disrupt SRP72 protein function with a positive predictive value of 80%. In summary, the available evidence is currently insufficient to determine the role of this variant in disease. Therefore, it has been classified as a Variant of Uncertain Significance.

Ambry Genetics
Classification: Uncertain significance. Last evaluated: 2025-01-10. Review status: criteria provided, single submitter. Criteria: Ambry Variant Classification Scheme 2023. Collection method: clinical testing. Allele origin: germline.
Comment: The p.A97T variant (also known as c.289G>A), located in coding exon 3 of the SRP72 gene, results from a G to A substitution at nucleotide position 289. The alanine at codon 97 is replaced by threonine, an amino acid with similar properties. This amino acid position is conserved. In addition, the in silico prediction for this alteration is inconclusive. Based on the available evidence, the clinical significance of this variant remains unclear.

GeneDx
Classification: Uncertain significance. Last evaluated: 2021-01-06. Review status: criteria provided, single submitter. Criteria: GeneDx Variant Classification Process June 2021. Collection method: clinical testing. Allele origin: germline. Affected: yes.
Comment: Not observed in large population cohorts (Lek 2016); In silico analysis supports that this missense variant has a deleterious effect on protein structure/function; Has not been previously published as pathogenic or benign to our knowledge